The following is an entry in ClinVar:

NM_001287.6(CLCN7):c.182G>C (p.Ser61Thr)

Gene: CLCN7 (chloride voltage-gated channel 7; minus strand). Cytogenetic location: 16p13.3.
Variant type: single nucleotide variant.
Coding change: c.182G>C on transcript NM_001287.6 (MANE Select); coding-DNA position 182, G replaced by C.
Protein change: p.Ser61Thr; replaces serine 61 with threonine.
Molecular consequence: missense variant. On other transcripts: intron variant (1).
Genome position (GRCh38, 1-based): chr16:1,465,298, C>G on the plus strand (G>C on the coding strand, the complement: CLCN7 is on the minus strand). VCF-style: chr16-1465298-C-G. GRCh37 (hg19) VCF-style: chr16-1515299-C-G.
Other names: c.142-3624G>C (NM_001114331.3); short protein forms S61T.
Identifiers: ClinVar variation 1411833 (VCV001411833.8), dbSNP rs781351932, ClinGen allele CA7810905.

ClinVar aggregate classification (germline): Uncertain significance (1 of 4 stars; one submission).

Allele frequency attached by ClinVar (database versions not stated): gnomAD exomes below 0.00001; ExAC 0.00001.

Submission:

Labcorp Genetics (formerly Invitae), Labcorp
Classification: Uncertain significance. Last evaluated: 2022-06-27. Review status: criteria provided, single submitter. Criteria: Invitae Variant Classification Sherloc (09022015). Collection method: clinical testing. Allele origin: germline.
Comment: This variant is present in population databases (rs781351932, gnomAD 0.0009%). This sequence change replaces serine, which is neutral and polar, with threonine, which is neutral and polar, at codon 61 of the CLCN7 protein (p.Ser61Thr). This variant has not been reported in the literature in individuals affected with CLCN7-related conditions. In summary, the available evidence is currently insufficient to determine the role of this variant in disease. Therefore, it has been classified as a Variant of Uncertain Significance. Advanced modeling of protein sequence and biophysical properties (such as structural, functional, and spatial information, amino acid conservation, physicochemical variation, residue mobility, and thermodynamic stability) performed at Invitae indicates that this missense variant is not expected to disrupt CLCN7 protein function.